The following is an entry in ClinVar:

ClinVar aggregate classification (germline): Uncertain significance (1 of 4 stars; one submission).

Conditions:
Pitt-Hopkins-like syndrome 2 (PTHSL2). Identifiers: Orphanet 221150, Orphanet 600663, MedGen C3280479, MONDO:0013690, OMIM 614325.

Submission:

Labcorp Genetics (formerly Invitae), Labcorp
Classification: Uncertain significance for Pitt-Hopkins-like syndrome 2. Last evaluated: 2023-11-09. Review status: criteria provided, single submitter. Criteria: Invitae Variant Classification Sherloc (09022015). Collection method: clinical testing. Allele origin: germline.
Comment: This sequence change creates a premature translational stop signal (p.Tyr1511*) in the NRXN1 gene. While this is not anticipated to result in nonsense mediated decay, it is expected to disrupt the last 37 amino acid(s) of the NRXN1 protein. This variant is not present in population databases (gnomAD no frequency). This variant has not been reported in the literature in individuals affected with NRXN1-related conditions. In summary, the available evidence is currently insufficient to determine the role of this variant in disease. Therefore, it has been classified as a Variant of Uncertain Significance.

NM_001330078.2(NRXN1):c.4413del (p.Asn1470_Tyr1471insTer)

Gene: NRXN1 (neurexin 1; minus strand). Cytogenetic location: 2p16.3.
Variant type: Deletion.
Coding change: c.4413del on transcript NM_001330078.2 (MANE Select); coding-DNA position 4413, one base deleted (C; older notation c.4413delC).
Protein change: p.Asn1470_Tyr1471insTer.
Molecular consequence: nonsense.
Genome position (GRCh38, 1-based): chr2:49,922,055, G deleted on the plus strand (C on the coding strand, the reverse complement: NRXN1 is on the minus strand). VCF-style (leftmost placement, unchanged base first): chr2-49922054-TG-T. GRCh37 (hg19) VCF-style: chr2-50149192-TG-T.
Other names: c.4533del, p.Asn1510_Tyr1511insTer (NM_001135659.3); c.318del, p.Asn105_Tyr106insTer (NM_001320156.4); c.309del, p.Asn102_Tyr103insTer (NM_001320157.4); c.4389del, p.Asn1462_Tyr1463insTer (NM_001330077.2); c.4380del, p.Asn1459_Tyr1460insTer (NM_001330082.2); c.4248del, p.Asn1415_Tyr1416insTer (NM_001330083.2); c.4347del, p.Asn1448_Tyr1449insTer (NM_001330084.2); c.4386del, p.Asn1461_Tyr1462insTer (NM_001330085.2); and 12 more.
Identifiers: ClinVar variation 2720910 (VCV002720910.3), dbSNP rs2465621217, ClinGen allele CA2697548154.